The following is an entry in ClinVar:

ClinVar aggregate classification (germline): Uncertain significance. Review status: criteria provided, multiple submitters, no conflicts (2 of 4 stars). 2 submissions from 2 submitters: Uncertain significance (2). Last evaluated 2022-03-06.

Conditions:
PMM2-congenital disorder of glycosylation. Also called: JAEKEN SYNDROME; CARBOHYDRATE-DEFICIENT GLYCOPROTEIN SYNDROME, TYPE Ia; CDG Ia; Congenital disorder of glycosylation, type Ia; PMM2-CDG; PHOSPHOMANNOMUTASE 2 DEFICIENCY. Identifiers: Orphanet 79318, MedGen C0349653, MONDO:0008907, OMIM 212065.

gnomAD v4.1: 11 of 1,595,958 alleles (0.00069%); highest among the groups gnomAD compares: African/African-American, 0.008%; no homozygotes.

Submissions (2):

Fulgent Genetics
Classification: Uncertain significance for PMM2-congenital disorder of glycosylation. Last evaluated: 2022-03-06. Review status: criteria provided, single submitter. Criteria: ACMG Guidelines, 2015. Collection method: clinical testing. Allele origin: unknown.

Labcorp Genetics (formerly Invitae), Labcorp
Classification: Uncertain significance for PMM2-congenital disorder of glycosylation. Last evaluated: 2021-11-17. Review status: criteria provided, single submitter. Criteria: Invitae Variant Classification Sherloc (09022015). Collection method: clinical testing. Allele origin: germline.
Comment: This sequence change falls in intron 7 of the PMM2 gene. It does not directly change the encoded amino acid sequence of the PMM2 protein. This variant is present in population databases (no rsID available, gnomAD no frequency). This variant has not been reported in the literature in individuals affected with PMM2-related conditions. Algorithms developed to predict the effect of sequence changes on RNA splicing suggest that this variant may create or strengthen a splice site. In summary, the available evidence is currently insufficient to determine the role of this variant in disease. Therefore, it has been classified as a Variant of Uncertain Significance.

NM_000303.3(PMM2):c.640-13C>A

Gene: PMM2 (phosphomannomutase 2; plus strand). Cytogenetic location: 16p13.2.
Variant type: single nucleotide variant.
Coding change: c.640-13C>A on transcript NM_000303.3 (MANE Select); 13 bases into the intron before coding-DNA position 640, C replaced by A.
Molecular consequence: intron variant.
Genome position (GRCh38, 1-based): chr16:8,847,711, C>A. VCF-style: chr16-8847711-C-A. GRCh37 (hg19) VCF-style: chr16-8941568-C-A.
Identifiers: ClinVar variation 1429727 (VCV001429727.4), dbSNP rs372181885, ClinGen allele CA493489308.